The following is an entry in ClinVar:

NM_003742.4(ABCB11):c.3527A>G (p.Tyr1176Cys)

Gene: ABCB11 (ATP binding cassette subfamily B member 11; minus strand). Cytogenetic location: 2q31.1.
Variant type: single nucleotide variant.
Coding change: c.3527A>G on transcript NM_003742.4 (MANE Select); coding-DNA position 3527, A replaced by G.
Protein change: p.Tyr1176Cys; replaces tyrosine 1176 with cysteine.
Molecular consequence: missense variant.
Genome position (GRCh38, 1-based): chr2:168,927,247, T>C on the plus strand (A>G on the coding strand, the complement: ABCB11 is on the minus strand). VCF-style: chr2-168927247-T-C. GRCh37 (hg19) VCF-style: chr2-169783757-T-C.
Other names: NM_003742.4:c.3527A>G; short protein forms Y1176C.
Identifiers: ClinVar variation 3776835 (VCV003776835.1).

ClinVar aggregate classification (germline): Uncertain significance (1 of 4 stars; one submission).

Conditions:
Progressive familial intrahepatic cholestasis type 2. Identifiers: Orphanet 79304, MedGen C3489789, MONDO:0011156, OMIM 601847.

Submission:

Broad Center for Mendelian Genomics, Broad Institute of MIT and Harvard
Classification: Uncertain significance for Progressive familial intrahepatic cholestasis type 2. Last evaluated: 2025-01-23. Review status: criteria provided, single submitter. Criteria: ACMG Guidelines, 2015. Collection method: curation. Allele origin: germline. Inheritance: Autosomal recessive inheritance.
Comment: The p.Tyr1176Cys variant in ABCB11 has been reported, in the compound heterozygous state, in one individual with BSEP deficiency (PMID: 34016879), and has been identified in 0.0002% (2/1179786) of European (non-Finnish) chromosomes by the Genome Aggregation Database (gnomAD; dbSNP rs767218250). Although this variant has been seen in the general population in a heterozygous state, its frequency is low enough to be consistent with a recessive carrier frequency. Computational prediction tools and conservation analyses suggest that this variant may impact the protein, though this information is not predictive enough to determine pathogenicity. In summary, while there is some suspicion for a pathogenic role, the clinical significance of this variant is uncertain. ACMG/AMP Criteria applied: PP3_moderate, PM2_supporting, PM3_Supporting (Richards 2015).